The following is an entry in ClinVar:

ClinVar aggregate classification (germline): Uncertain significance (1 of 4 stars; one submission).

Conditions:
Aicardi-Goutieres syndrome 6 (AGS6). Identifiers: Orphanet 51, MedGen C3539013, MONDO:0014007, OMIM 615010.
Symmetrical dyschromatosis of extremities (DSH). Also called: DYSCHROMATOSIS SYMMETRICA HEREDITARIA 1; RETICULATE ACROPIGMENTATION OF DOHI; SYMMETRIC DYSCHROMATOSIS OF THE EXTREMITIES; Dyschromatosis symmetrica hereditaria. Identifiers: Orphanet 41, MedGen C0406775, MONDO:0007483, OMIM 127400.

Submission:

Labcorp Genetics (formerly Invitae), Labcorp
Classification: Uncertain significance for Aicardi-Goutieres syndrome 6; Symmetrical dyschromatosis of extremities. Last evaluated: 2025-05-11. Review status: criteria provided, single submitter. Criteria: Invitae Variant Classification Sherloc (09022015). Collection method: clinical testing. Allele origin: germline.
Comment: This sequence change replaces glycine, which is neutral and non-polar, with arginine, which is basic and polar, at codon 190 of the ADAR protein (p.Gly190Arg). This variant is not present in population databases (gnomAD no frequency). This variant has not been reported in the literature in individuals affected with ADAR-related conditions. An algorithm developed to predict the effect of missense changes on protein structure and function (PolyPhen-2) suggests that this variant is likely to be disruptive. In summary, the available evidence is currently insufficient to determine the role of this variant in disease. Therefore, it has been classified as a Variant of Uncertain Significance.

NM_001111.5(ADAR):c.568G>A (p.Gly190Arg)

Gene: ADAR (adenosine deaminase RNA specific; minus strand). Cytogenetic location: 1q21.3.
Variant type: single nucleotide variant.
Coding change: c.568G>A on transcript NM_001111.5 (MANE Select); coding-DNA position 568, G replaced by A.
Protein change: p.Gly190Arg; replaces glycine 190 with arginine.
Molecular consequence: missense variant. On other transcripts: 5 prime UTR variant (6).
Genome position (GRCh38, 1-based): chr1:154,602,074, C>T on the plus strand (G>A on the coding strand, the complement: ADAR is on the minus strand). VCF-style: chr1-154602074-C-T. GRCh37 (hg19) VCF-style: chr1-154574550-C-T.
Other names: c.-318G>A (NM_001025107.3, NM_001193495.2, NM_001365046.1 and 3 more transcripts); c.595G>A, p.Gly199Arg (NM_001365045.1); c.568G>A, p.Gly190Arg (NM_015840.4, NM_015841.4); short protein forms G190R, G199R.
Identifiers: ClinVar variation 4784968 (VCV004784968.1).